The following is an entry in ClinVar:

ClinVar aggregate classification (germline): Uncertain significance (1 of 4 stars; one submission).

Allele frequency attached by ClinVar (database versions not stated): ExAC 0.00002; gnomAD exomes 0.00003; ESP Exome Variant Server 0.00008; 1000 Genomes Project 30x 0.00031.
gnomAD v4.1: 45 of 1,614,142 alleles (0.0028%); highest among the groups gnomAD compares: Middle Eastern, 0.017%; no homozygotes.

Submission:

Labcorp Genetics (formerly Invitae), Labcorp
Classification: Uncertain significance. Last evaluated: 2022-11-08. Review status: criteria provided, single submitter. Criteria: Invitae Variant Classification Sherloc (09022015). Collection method: clinical testing. Allele origin: germline.
Comment: This sequence change replaces arginine, which is basic and polar, with histidine, which is basic and polar, at codon 198 of the DSCAML1 protein (p.Arg198His). The frequency data for this variant in the population databases is considered unreliable, as metrics indicate poor data quality at this position in the gnomAD database. This variant has not been reported in the literature in individuals affected with DSCAML1-related conditions. ClinVar contains an entry for this variant (Variation ID: 1407001). Algorithms developed to predict the effect of missense changes on protein structure and function are either unavailable or do not agree on the potential impact of this missense change (SIFT: "Deleterious"; PolyPhen-2: "Probably Damaging"; Align-GVGD: "Class C0"). In summary, the available evidence is currently insufficient to determine the role of this variant in disease. Therefore, it has been classified as a Variant of Uncertain Significance.

NM_020693.4(DSCAML1):c.413G>A (p.Arg138His)

Gene: DSCAML1 (DS cell adhesion molecule like 1; minus strand). Cytogenetic location: 11q23.3.
Variant type: single nucleotide variant.
Coding change: c.413G>A on transcript NM_020693.4 (MANE Select); coding-DNA position 413, G replaced by A.
Protein change: p.Arg138His; replaces arginine 138 with histidine.
Molecular consequence: missense variant.
Genome position (GRCh38, 1-based): chr11:117,776,889, C>T on the plus strand (G>A on the coding strand, the complement: DSCAML1 is on the minus strand). VCF-style: chr11-117776889-C-T. GRCh37 (hg19) VCF-style: chr11-117647604-C-T.
Other names: c.413G>A, p.Arg138His (NM_001367904.1); c.5G>A, p.Arg2His (NM_001367905.1); short protein forms R138H, R2H.
Identifiers: ClinVar variation 1407001 (VCV001407001.7), dbSNP rs148829010, ClinGen allele CA6297571.